The following is an entry in ClinVar:

ClinVar aggregate classification (germline): Pathogenic (1 of 4 stars; one submission).

Conditions:
Developmental and epileptic encephalopathy, 54. Also called: Epileptic encephalopathy, early infantile, 54; HNRNPU-Related Neurodevelopmental Disorder. Identifiers: MedGen C4479319, MONDO:0033363, OMIM 617391.

Submission:

Illumina Laboratory Services, Illumina
Classification: Pathogenic for Developmental and epileptic encephalopathy, 54. Last evaluated: 2019-07-26. Review status: criteria provided, single submitter. Criteria: ICSLVariantClassificationCriteria RUGD 01 April 2020. Collection method: clinical testing. Allele origin: unknown.
Comment: The HNRNPU c.584delC p.(Ala195GlyfsTer2) variant causes a shift in the protein reading frame that is predicted to result in premature termination of the protein. Loss of normal protein function through either protein truncation or nonsense-mediated mRNA decay is expected. To our knowledge, this variant has not been reported in the peer-reviewed literature. This variant is not observed in version 2.1.1 of the Genome Aggregation Database. Based on the available evidence, the c.584delC p.(Ala195GlyfsTer2) variant is classified as pathogenic for developmental and epileptic encephalopathy.

NM_031844.3(HNRNPU):c.584del (p.Ala195fs)

Gene: HNRNPU (heterogeneous nuclear ribonucleoprotein U; minus strand). Cytogenetic location: 1q44.
Variant type: Deletion.
Coding change: c.584del on transcript NM_031844.3 (MANE Select); coding-DNA position 584, one base deleted (C; older notation c.584delC).
Protein change: p.Ala195fs; shifts the reading frame from alanine 195.
Molecular consequence: frameshift variant.
Genome position (GRCh38, 1-based): chr1:244,863,724, G deleted on the plus strand (C on the coding strand, the reverse complement: HNRNPU is on the minus strand). VCF-style (leftmost placement, unchanged base first): chr1-244863723-CG-C. GRCh37 (hg19) VCF-style: chr1-245027025-CG-C.
Other names: c.584del, p.Ala195fs (NM_004501.3); short protein forms A195fs.
Identifiers: ClinVar variation 3062065 (VCV003062065.1), dbSNP rs2527894355, ClinGen allele CA2740092671.
Genomic context (GRCh38, chr1:244,863,723, plus strand): 5'-CTTCTTCTTACCTCCCGCCTGCTGCTGGCCCTGCCTCGCCCCGGGCGGCGCCACCGTCAC[CG>C]CGAACAGCGAGGTGGGGCCGCTGCTCTTCCCCGCGGCCTCCTTGGCGGCCCCGCGCTGCT-3'